The following is an entry in ClinVar:

NM_014425.5(INVS):c.673_674del (p.Leu225fs)

Gene: INVS (inversin; plus strand). Cytogenetic location: 9q31.1.
Variant type: Microsatellite.
Coding change: c.673_674del on transcript NM_014425.5 (MANE Select); coding-DNA positions 673 to 674, 2 bases deleted (CT; older notation c.673_674delCT).
Protein change: p.Leu225fs; shifts the reading frame from leucine 225.
Molecular consequence: frameshift variant. On other transcripts: 5 prime UTR variant (1), non-coding transcript variant (1).
Genome position (GRCh38, 1-based): chr9:100,240,117-100,240,118, CT deleted; deleting any 2 consecutive bases within chr9:100,240,115-100,240,118 gives the same sequence; the c. name uses the placement nearest the transcript's 3' end. VCF-style (leftmost placement, unchanged base first): chr9-100240114-CCT-C. GRCh37 (hg19) VCF-style: chr9-103002396-CCT-C.
Other names: c.385_386del, p.Leu129fs (NM_001318381.2); c.-319CT[1] (NM_001318382.2); short protein forms L129fs, L225fs.
Identifiers: ClinVar variation 859885 (VCV000859885.7), dbSNP rs1205325321, ClinGen allele CA590046837.

ClinVar aggregate classification (germline): Pathogenic (1 of 4 stars; one submission).

Conditions:
Nephronophthisis. Also called: Juvenile Nephronophthisis. Identifiers: Orphanet 655, MedGen C0687120, MONDO:0019005, HP:0000090.

Submission:

Labcorp Genetics (formerly Invitae), Labcorp
Classification: Pathogenic for Nephronophthisis. Last evaluated: 2024-10-08. Review status: criteria provided, single submitter. Criteria: Invitae Variant Classification Sherloc (09022015). Collection method: clinical testing. Allele origin: germline.
Comment: This sequence change creates a premature translational stop signal (p.Leu225Serfs*6) in the INVS gene. It is expected to result in an absent or disrupted protein product. Loss-of-function variants in INVS are known to be pathogenic (PMID: 12872123). This variant is present in population databases (no rsID available, gnomAD 0.01%). This variant has not been reported in the literature in individuals affected with INVS-related conditions. ClinVar contains an entry for this variant (Variation ID: 859885). Algorithms developed to predict the effect of sequence changes on RNA splicing suggest that this variant may disrupt the consensus splice site. For these reasons, this variant has been classified as Pathogenic.

Literature cited by the submitters: PubMed 12872123.